The following is an entry in ClinVar:

NM_000388.4(CASR):c.2384G>C (p.Arg795Pro)

Gene: CASR (calcium sensing receptor; plus strand). Cytogenetic location: 3q21.1.
Variant type: single nucleotide variant.
Coding change: c.2384G>C on transcript NM_000388.4 (MANE Select); coding-DNA position 2384, G replaced by C.
Protein change: p.Arg795Pro; replaces arginine 795 with proline.
Molecular consequence: missense variant.
Genome position (GRCh38, 1-based): chr3:122,284,338, G>C. VCF-style: chr3-122284338-G-C. GRCh37 (hg19) VCF-style: chr3-122003185-G-C.
Other names: c.2414G>C, p.Arg805Pro (NM_001178065.2); short protein forms R805P, R795P.
Identifiers: ClinVar variation 2925365 (VCV002925365.3), dbSNP rs549975115, ClinGen allele CA354159679.

ClinVar aggregate classification (germline): Uncertain significance (1 of 4 stars; one submission).

Conditions:
Familial hypocalciuric hypercalcemia (FHH). Also called: Familial benign hypercalcemia. Identifiers: Orphanet 405, MedGen C1809471, MONDO:0018458.
Autosomal dominant hypocalcemia 1 (HYPOC1). Also called: HYPOCALCEMIA, FAMILIAL. Identifiers: MedGen C3715128, MONDO:0011013, OMIM 601198.

Submission:

Labcorp Genetics (formerly Invitae), Labcorp
Classification: Uncertain significance for Familial hypocalciuric hypercalcemia; Autosomal dominant hypocalcemia 1. Last evaluated: 2022-12-06. Review status: criteria provided, single submitter. Criteria: Invitae Variant Classification Sherloc (09022015). Collection method: clinical testing. Allele origin: germline.
Comment: This sequence change replaces arginine, which is basic and polar, with proline, which is neutral and non-polar, at codon 795 of the CASR protein (p.Arg795Pro). In summary, the available evidence is currently insufficient to determine the role of this variant in disease. Therefore, it has been classified as a Variant of Uncertain Significance. This variant disrupts the Arg795 amino acid residue in CASR. Other variant(s) that disrupt this residue have been determined to be pathogenic (Invitae). This suggests that this residue is clinically significant, and that variants that disrupt this residue are likely to be disease-causing. Algorithms developed to predict the effect of missense changes on protein structure and function are either unavailable or do not agree on the potential impact of this missense change (SIFT: "Deleterious"; PolyPhen-2: "Probably Damaging"; Align-GVGD: "Class C0"). This missense change has been observed in individual(s) with hypercalcemia (PMID: 26963950). This variant is not present in population databases (gnomAD no frequency).

Literature cited by the submitters: PubMed 26963950.